The following is an entry in ClinVar:

NM_004168.4(SDHA):c.420C>G (p.His140Gln)

Gene: SDHA (succinate dehydrogenase complex flavoprotein subunit A; plus strand). Cytogenetic location: 5p15.33.
Variant type: single nucleotide variant.
Coding change: c.420C>G on transcript NM_004168.4 (MANE Select); coding-DNA position 420, C replaced by G.
Protein change: p.His140Gln; replaces histidine 140 with glutamine.
Molecular consequence: missense variant. On other transcripts: intron variant (1).
Genome position (GRCh38, 1-based): chr5:225,526, C>G. VCF-style: chr5-225526-C-G. GRCh37 (hg19) VCF-style: chr5-225641-C-G.
Other names: c.420C>G, p.His140Gln (NM_001330758.2); c.313-357C>G (NM_001294332.2); c.420C>G (NM_004168.2); short protein forms H140Q.
Identifiers: ClinVar variation 1437897 (VCV001437897.9), dbSNP rs747232441, ClinGen allele CA3172812.

ClinVar aggregate classification (germline): Uncertain significance. Review status: criteria provided, multiple submitters, no conflicts (2 of 4 stars). 2 submissions from 2 submitters: Uncertain significance (2). Last evaluated 2025-03-27.

Conditions:
Hereditary cancer-predisposing syndrome. Also called: Neoplastic Syndromes, Hereditary; Hereditary Cancer Syndrome; Hereditary neoplastic syndrome; Tumor predisposition. Identifiers: Orphanet 140162, MedGen C0027672, MeSH D009386, MONDO:0015356.
Mitochondrial complex II deficiency, nuclear type 1. Also called: SUCCINATE CoQ REDUCTASE DEFICIENCY. Identifiers: Orphanet 3208, MedGen C5700310, MONDO:0100294, OMIM 252011.
Pheochromocytoma/paraganglioma syndrome 5. Also called: Paragangliomas 5; SDHA-Related Hereditary Paraganglioma-Pheochromocytoma Syndrome. Identifiers: Orphanet 29072, MedGen C3279992, MONDO:0013602, OMIM 614165.

Allele frequency attached by ClinVar (database versions not stated): gnomAD exomes 0.00001; ExAC 0.00002.
gnomAD v4.1: 3 of 1,613,818 alleles (0.00019%); highest among the groups gnomAD compares: Non-Finnish European, 0.00025%; no homozygotes.

Submissions (2):

Ambry Genetics
Classification: Uncertain significance for Hereditary cancer-predisposing syndrome. Last evaluated: 2025-03-27. Review status: criteria provided, single submitter. Criteria: Ambry Variant Classification Scheme 2023. Collection method: clinical testing. Allele origin: germline.
Comment: The p.H140Q variant (also known as c.420C>G), located in coding exon 4 of the SDHA gene, results from a C to G substitution at nucleotide position 420. The histidine at codon 140 is replaced by glutamine, an amino acid with highly similar properties. This amino acid position is conserved. In addition, the in silico prediction for this alteration is inconclusive. Based on the available evidence, the clinical significance of this variant remains unclear.

Labcorp Genetics (formerly Invitae), Labcorp
Classification: Uncertain significance for Pheochromocytoma/paraganglioma syndrome 5; Mitochondrial complex II deficiency, nuclear type 1. Last evaluated: 2023-10-27. Review status: criteria provided, single submitter. Criteria: Invitae Variant Classification Sherloc (09022015). Collection method: clinical testing. Allele origin: germline.
Comment: This sequence change replaces histidine, which is basic and polar, with glutamine, which is neutral and polar, at codon 140 of the SDHA protein (p.His140Gln). This variant is present in population databases (rs747232441, gnomAD 0.003%). This variant has not been reported in the literature in individuals affected with SDHA-related conditions. ClinVar contains an entry for this variant (Variation ID: 1437897). Advanced modeling of protein sequence and biophysical properties (such as structural, functional, and spatial information, amino acid conservation, physicochemical variation, residue mobility, and thermodynamic stability) performed at Invitae indicates that this missense variant is not expected to disrupt SDHA protein function with a negative predictive value of 95%. In summary, the available evidence is currently insufficient to determine the role of this variant in disease. Therefore, it has been classified as a Variant of Uncertain Significance.